The following is an entry in ClinVar:

NM_001372044.2(SHANK3):c.2688_2766del (p.Pro897fs)

Gene: SHANK3 (SH3 and multiple ankyrin repeat domains 3; plus strand). Cytogenetic location: 22q13.33.
Variant type: Deletion.
Coding change: c.2688_2766del on transcript NM_001372044.2 (MANE Select); coding-DNA positions 2688 to 2766, 79 bases deleted.
Protein change: p.Pro897fs; shifts the reading frame from proline 897.
Molecular consequence: frameshift variant.
Genome position (GRCh38, 1-based): chr22:50,720,296-50,720,374, 79 bases deleted. GRCh37 (hg19): chr22:51,158,724-51,158,802.
Other names: short protein forms P897fs.
Identifiers: ClinVar variation 3897623 (VCV003897623.1).

ClinVar aggregate classification (germline): Likely pathogenic (1 of 4 stars; one submission).

Conditions:
Phelan-McDermid syndrome. Also called: Phelan-McDermid Syndrome-SHANK3 Related; TELOMERIC 22q13 MONOSOMY SYNDROME; 22q13.3 deletion syndrome. Identifiers: Orphanet 48652, MedGen C1853490, MONDO:0011652, OMIM 606232.

Submission:

Genetics Laboratory, UDIAT-Centre Diagnòstic, Hospital Universitari Parc Tauli
Classification: Likely pathogenic for Phelan-McDermid syndrome. Last evaluated: 2023-09-12. Review status: criteria provided, single submitter. Criteria: ACMG Guidelines, 2015. Collection method: clinical testing. Allele origin: unknown. Inheritance: Autosomal dominant inheritance. Affected: yes.
Comment: PVS1_very strong;PM2_supporting